The following is an entry in ClinVar:

ClinVar aggregate classification (germline): Likely pathogenic (1 of 4 stars; one submission).

Conditions:
Bardet-Biedl syndrome 1 (BBS1). Identifiers: MedGen C2936862, MONDO:0008854, OMIM 209900. Disease mechanism: loss of function.

Submission:

Juno Genomics, Hangzhou Juno Genomics, Inc
Classification: Likely pathogenic for Bardet-Biedl syndrome 1. Review status: criteria provided, single submitter. Criteria: ACMG Guidelines, 2015. Collection method: clinical testing. Allele origin: germline. Affected: yes.
Comment: Absent from controls (or at extremely low frequency if recessive) in Genome Aggregation Database, Exome Sequencing Project, 1000 Genomes Project, or Exome Aggregation Consortium.;Protein length changes due to in-frame deletions/insertions in a non-repeat region or stop-loss variants.;For recessive disorders, detected in trans with a pathogenic variant.;Patient's phenotype or family history is highly specific for a disease with a single genetic etiology.

NM_024649.5(BBS1):c.690_692del (p.Leu231del)

Gene: BBS1 (Bardet-Biedl syndrome 1; plus strand). Cytogenetic location: 11q13.2.
Variant type: Deletion.
Coding change: c.690_692del on transcript NM_024649.5 (MANE Select); coding-DNA positions 690 to 692, 3 bases deleted (GCT; older notation c.690_692delGCT).
Protein change: p.Leu231del; deletes leucine 231.
Genome position (GRCh38, 1-based): chr11:66,519,715-66,519,717, GCT deleted; deleting any 3 consecutive bases within chr11:66,519,714-66,519,717 gives the same sequence; the c. name uses the placement nearest the transcript's 3' end. VCF-style (leftmost placement, unchanged base first): chr11-66519713-GTGC-G. GRCh37 (hg19) VCF-style: chr11-66287184-GTGC-G.
Other names: short protein forms L231del.
Identifiers: ClinVar variation 4533251 (VCV004533251.1).
Genomic context (GRCh38, chr11:66,519,713, plus strand): 5'-CTGGCTGACGAGGATGCTGTGTCTTGCCTGGTGCTGGGCACCGAGAACAAGGAGCTCCTG[GTGC>G]TTGACCCCGAGGCCTTCACCATTTTAGCCAAGGTCAGCGTCAGGTCTGGCCCTGGGCCCG-3'